The following is an entry in ClinVar:

ClinVar aggregate classification (germline): Uncertain significance (1 of 4 stars; one submission).

Allele frequency attached by ClinVar (database versions not stated): gnomAD 0.00001; gnomAD exomes 0.00002; ExAC 0.00004; 1000 Genomes Project 30x 0.00016; 1000 Genomes Project 0.00020.

Submission:

Labcorp Genetics (formerly Invitae), Labcorp
Classification: Uncertain significance. Last evaluated: 2022-08-19. Review status: criteria provided, single submitter. Criteria: Invitae Variant Classification Sherloc (09022015). Collection method: clinical testing. Allele origin: germline.
Comment: This variant has not been reported in the literature in individuals affected with DSTYK-related conditions. This variant is present in population databases (rs148821812, gnomAD 0.004%). This sequence change replaces serine, which is neutral and polar, with asparagine, which is neutral and polar, at codon 314 of the DSTYK protein (p.Ser314Asn). Algorithms developed to predict the effect of missense changes on protein structure and function output the following: SIFT: "Tolerated"; PolyPhen-2: "Benign"; Align-GVGD: "Class C0". The asparagine amino acid residue is found in multiple mammalian species, which suggests that this missense change does not adversely affect protein function. In summary, the available evidence is currently insufficient to determine the role of this variant in disease. Therefore, it has been classified as a Variant of Uncertain Significance.

NM_015375.3(DSTYK):c.941G>A (p.Ser314Asn)

Gene: DSTYK (dual serine/threonine and tyrosine protein kinase; minus strand). Cytogenetic location: 1q32.1.
Variant type: single nucleotide variant.
Coding change: c.941G>A on transcript NM_015375.3 (MANE Select); coding-DNA position 941, G replaced by A.
Protein change: p.Ser314Asn; replaces serine 314 with asparagine.
Molecular consequence: missense variant.
Genome position (GRCh38, 1-based): chr1:205,169,546, C>T on the plus strand (G>A on the coding strand, the complement: DSTYK is on the minus strand). VCF-style: chr1-205169546-C-T. GRCh37 (hg19) VCF-style: chr1-205138674-C-T.
Other names: c.941G>A, p.Ser314Asn (NM_199462.3); short protein forms S314N.
Identifiers: ClinVar variation 1897421 (VCV001897421.5), dbSNP rs148821812, ClinGen allele CA1352931.